The following is an entry in ClinVar:

ClinVar aggregate classification (germline): Conflicting classifications of pathogenicity. Review status: criteria provided, conflicting classifications (1 of 4 stars). 6 submissions from 6 submitters: Pathogenic (1); Likely pathogenic (4); Uncertain significance (1). Last evaluated 2025-07-17.

Conditions:
Retinitis pigmentosa 12 (RP12). Also called: RP WITH OR WITHOUT PPRPE; RP WITH OR WITHOUT PRESERVED PARAARTERIOLE RETINAL PIGMENT EPITHELIUM; RETINITIS PIGMENTOSA WITH OR WITHOUT PARAARTERIOLAR PRESERVATION OF RETINAL PIGMENT EPITHELIUM. Identifiers: Orphanet 791, MedGen C1838647, MONDO:0010818, OMIM 600105.
Leber congenital amaurosis 8 (LCA8). Identifiers: Orphanet 65, MedGen C3151202, MONDO:0013453, OMIM 613835.
Pigmented paravenous retinochoroidal atrophy. Identifiers: Orphanet 251295, MedGen C1868310, MONDO:0008246, OMIM 172870.
Leber congenital amaurosis (LCA). Also called: Leber's amaurosis. Identifiers: Orphanet 65, MedGen C0339527, MeSH D057130, MONDO:0018998.

Submissions (6):

Women's Health and Genetics/Laboratory Corporation of America, LabCorp
Classification: Uncertain significance. Last evaluated: 2025-07-17. Review status: criteria provided, single submitter. Criteria: LabCorp Variant Classification Summary - May 2015. Collection method: clinical testing. Allele origin: germline.
Comment: Variant summary: CRB1 c.1405T>G (p.Cys469Gly) results in a non-conservative amino acid change located in the EGF-like domain (IPR000742) of the encoded protein sequence. Algorithms developed to predict the effect of missense changes on protein structure and function all suggest that this variant is likely to be disruptive. The variant was absent in 251434 control chromosomes. c.1405T>G has been observed in compound heterozygous individuals affected with leber congenital amaurosis or early onset severe retinal dystrophy (e.g. Xu_2020, Zhu_2021). These data indicate that the variant may be associated with disease. To our knowledge, no experimental evidence demonstrating an impact on protein function has been reported. The following publications have been ascertained in the context of this evaluation (PMID: 31630094, 33970760). ClinVar contains an entry for this variant (Variation ID: 1928144). Based on the evidence outlined above, the variant was classified as VUS-possibly pathogenic.

SingHealth Duke-NUS Institute of Precision Medicine
Classification: Likely pathogenic for Leber congenital amaurosis 8. Last evaluated: 2025-02-05. Review status: criteria provided, single submitter. Criteria: PRISM ACMG Classification Criteria. Collection method: clinical testing. Allele origin: germline. Affected: yes.
Comment: Variant is located in a mutational hotspot where >50% of variants are pathogenic (PM1). Variant is not found in gnomAD exomes or genomes (PM2). REVEL score is 0.898 (PP3_mod). Variant has been observed in trans with a different pathogenic variant (PM3).

Natera, Inc.
Classification: Likely pathogenic for Leber congenital amaurosis. Last evaluated: 2025-01-23. Review status: criteria provided, single submitter. Criteria: Natera Variant Classification Schema (03/2026). Collection method: clinical testing. Allele origin: germline.
Comment: The c.1405T>G variant in CRB1 is a missense variant predicted to cause substitution of cysteine to glycine at amino acid 469. This variant is rare in the general population with a frequency below the threshold expected for the associated phenotype(s). This variant has been observed in one or more individuals affected with the associated recessive disease, as either homozygous or compound heterozygous with a second variant (PMID: 31630094, 33970760). Computational prediction algorithms indicate this variant is likely to affect gene or protein function. Given the available evidence, this variant is classified as Likely Pathogenic.

Fulgent Genetics
Classification: Likely pathogenic for Pigmented paravenous retinochoroidal atrophy; Retinitis pigmentosa 12; Leber congenital amaurosis 8. Last evaluated: 2024-05-08. Review status: criteria provided, single submitter. Criteria: ACMG Guidelines, 2015. Collection method: clinical testing. Allele origin: germline.

Baylor Genetics
Classification: Likely pathogenic for Leber congenital amaurosis 8. Last evaluated: 2023-10-25. Review status: criteria provided, single submitter. Criteria: ACMG Guidelines, 2015. Collection method: clinical testing. Allele origin: unknown.

Labcorp Genetics (formerly Invitae), Labcorp
Classification: Pathogenic for Leber congenital amaurosis 8; Retinitis pigmentosa 12. Last evaluated: 2023-06-06. Review status: criteria provided, single submitter. Criteria: Invitae Variant Classification Sherloc (09022015). Collection method: clinical testing. Allele origin: germline.
Comment: This sequence change replaces cysteine, which is neutral and slightly polar, with glycine, which is neutral and non-polar, at codon 469 of the CRB1 protein (p.Cys469Gly). This variant is not present in population databases (gnomAD no frequency). This missense change has been observed in individual(s) with retinal dystrophy (PMID: 31630094, 33970760). In at least one individual the data is consistent with being in trans (on the opposite chromosome) from a pathogenic variant. ClinVar contains an entry for this variant (Variation ID: 1928144). Advanced modeling of protein sequence and biophysical properties (such as structural, functional, and spatial information, amino acid conservation, physicochemical variation, residue mobility, and thermodynamic stability) performed at Invitae indicates that this missense variant is expected to disrupt CRB1 protein function. For these reasons, this variant has been classified as Pathogenic.

Literature cited by the submitters: PubMed 31630094 (cited by 3 submitters); PubMed 33970760 (cited by 3 submitters).

NM_201253.3(CRB1):c.1405T>G (p.Cys469Gly)

Gene: CRB1 (crumbs cell polarity complex component 1; plus strand). Cytogenetic location: 1q31.3.
Variant type: single nucleotide variant.
Coding change: c.1405T>G on transcript NM_201253.3 (MANE Select); coding-DNA position 1405, T replaced by G.
Protein change: p.Cys469Gly; replaces cysteine 469 with glycine.
Molecular consequence: missense variant. On other transcripts: non-coding transcript variant (2).
Genome position (GRCh38, 1-based): chr1:197,421,233, T>G. VCF-style: chr1-197421233-T-G. GRCh37 (hg19) VCF-style: chr1-197390363-T-G.
Other names: c.1069T>G, p.Cys357Gly (NM_001193640.2); c.1198T>G, p.Cys400Gly (NM_001257965.2); c.1405T>G, p.Cys469Gly (NM_001257966.2); c.1405T>G (NM_201253.2); short protein forms C357G, C469G, C400G.
Identifiers: ClinVar variation 1928144 (VCV001928144.11), dbSNP rs2528105698, ClinGen allele CA344030762.